The following is an entry in ClinVar:

NM_152743.4(BRAT1):c.2227C>T (p.Pro743Ser)

Gene: BRAT1 (BRCA1 associated ATM activator 1; minus strand). Cytogenetic location: 7p22.3.
Variant type: single nucleotide variant.
Coding change: c.2227C>T on transcript NM_152743.4 (MANE Select); coding-DNA position 2227, C replaced by T.
Protein change: p.Pro743Ser; replaces proline 743 with serine.
Molecular consequence: missense variant. On other transcripts: non-coding transcript variant (1).
Genome position (GRCh38, 1-based): chr7:2,538,308, G>A on the plus strand (C>T on the coding strand, the complement: BRAT1 is on the minus strand). VCF-style: chr7-2538308-G-A. GRCh37 (hg19) VCF-style: chr7-2577942-G-A.
Other names: c.2407C>T, p.Pro803Ser (NM_001350626.2); c.1702C>T, p.Pro568Ser (NM_001350627.2); short protein forms P743S, P568S, P803S.
Identifiers: ClinVar variation 1906811 (VCV001906811.2), dbSNP rs868110270, ClinGen allele CA152664419.

ClinVar aggregate classification (germline): Uncertain significance (1 of 4 stars; one submission).

Conditions:
Neonatal-onset encephalopathy with rigidity and seizures. Also called: Lethal neonatal spasticity-epileptic encephalopathy syndrome. Identifiers: Orphanet 435845, MedGen C3281029, MONDO:0013784, OMIM 614498.

Allele frequency attached by ClinVar (database versions not stated): gnomAD exomes below 0.00001; gnomAD 0.00001; TOPMed 0.00002.
gnomAD v4.1: 6 of 1,612,784 alleles (0.00037%); highest among the groups gnomAD compares: Middle Eastern, 0.033%; no homozygotes.

Submission:

Labcorp Genetics (formerly Invitae), Labcorp
Classification: Uncertain significance for Neonatal-onset encephalopathy with rigidity and seizures. Last evaluated: 2022-08-14. Review status: criteria provided, single submitter. Criteria: Invitae Variant Classification Sherloc (09022015). Collection method: clinical testing. Allele origin: germline.
Comment: This sequence change replaces proline, which is neutral and non-polar, with serine, which is neutral and polar, at codon 743 of the BRAT1 protein (p.Pro743Ser). This variant is present in population databases (no rsID available, gnomAD 0.006%). This variant has not been reported in the literature in individuals affected with BRAT1-related conditions. Algorithms developed to predict the effect of missense changes on protein structure and function output the following: SIFT: "Tolerated"; PolyPhen-2: "Benign"; Align-GVGD: "Class C0". The serine amino acid residue is found in multiple mammalian species, which suggests that this missense change does not adversely affect protein function. In summary, the available evidence is currently insufficient to determine the role of this variant in disease. Therefore, it has been classified as a Variant of Uncertain Significance.